The following is an entry in ClinVar:

NM_032482.3(DOT1L):c.3765G>T (p.Lys1255Asn)

Gene: DOT1L (DOT1 like histone lysine methyltransferase; plus strand). Cytogenetic location: 19p13.3.
Variant type: single nucleotide variant.
Coding change: c.3765G>T on transcript NM_032482.3 (MANE Select); coding-DNA position 3765, G replaced by T.
Protein change: p.Lys1255Asn; replaces lysine 1255 with asparagine.
Molecular consequence: missense variant.
Genome position (GRCh38, 1-based): chr19:2,226,286, G>T. VCF-style: chr19-2226286-G-T. GRCh37 (hg19) VCF-style: chr19-2226285-G-T.
Other names: c.3765G>T, p.Lys1255Asn (NM_001411141.1); short protein forms K1255N.
Identifiers: ClinVar variation 5040966 (VCV005040966.1).

ClinVar aggregate classification (germline): Likely benign (1 of 4 stars; one submission).

gnomAD v4.1: 747 of 1,598,932 alleles (0.047%); highest among the groups gnomAD compares: Admixed American, 1.2%; 6 homozygotes.

Submission:

CeGaT Center for Human Genetics Tuebingen
Classification: Likely benign. Last evaluated: 2026-09-01. Review status: criteria provided, single submitter. Criteria: CeGaT Center For Human Genetics Tuebingen Variant Classification Criteria Version 2. Collection method: clinical testing. Allele origin: germline. Affected: yes. Observed: 1 variant allele.
Comment: DOT1L: BS1